The following is an entry in ClinVar:

NM_145059.3(FCSK):c.2316T>C (p.Thr772=)

Gene: FCSK (fucose kinase; plus strand). Cytogenetic location: 16q22.1.
Variant type: single nucleotide variant.
Coding change: c.2316T>C on transcript NM_145059.3 (MANE Select); coding-DNA position 2316, T replaced by C.
Protein change: p.Thr772=; no amino-acid change (threonine 772 retained).
Molecular consequence: synonymous variant.
Genome position (GRCh38, 1-based): chr16:70,474,950, T>C. VCF-style: chr16-70474950-T-C. GRCh37 (hg19) VCF-style: chr16-70508853-T-C.
Identifiers: ClinVar variation 3054497 (VCV003054497.2), dbSNP rs2507440956, ClinGen allele CA496403158.

ClinVar aggregate classification (germline): Likely benign (0 of 4 stars; one submission).

Conditions:
FCSK-related disorder. Also called: FCSK-related condition.

Allele frequency attached by ClinVar (database versions not stated): gnomAD exomes below 0.00001.
gnomAD v4.1: 1 of 1,611,688 alleles (0.000062%); highest among the groups gnomAD compares: East Asian, 0.0022%; no homozygotes.

Submission:

PreventionGenetics, part of Exact Sciences
Classification: Likely benign for FCSK-related condition. Last evaluated: 2020-03-27. Review status: no assertion criteria provided. Collection method: clinical testing. Allele origin: germline.
Comment: This variant is classified as likely benign based on ACMG/AMP sequence variant interpretation guidelines (Richards et al. 2015 PMID: 25741868, with internal and published modifications).